The following is an entry in ClinVar:

NM_032242.4(PLXNA1):c.4869C>T (p.Tyr1623=)

Gene: PLXNA1 (plexin A1; plus strand). Cytogenetic location: 3q21.3.
Variant type: single nucleotide variant.
Coding change: c.4869C>T on transcript NM_032242.4 (MANE Select); coding-DNA position 4869, C replaced by T.
Protein change: p.Tyr1623=; no amino-acid change (tyrosine 1623 retained).
Molecular consequence: synonymous variant.
Genome position (GRCh38, 1-based): chr3:127,029,535, C>T. VCF-style: chr3-127029535-C-T. GRCh37 (hg19) VCF-style: chr3-126748378-C-T.
Identifiers: ClinVar variation 3357576 (VCV003357576.1).

ClinVar aggregate classification (germline): Likely benign (0 of 4 stars; one submission).

Conditions:
PLXNA1-related disorder. Also called: PLXNA1-related condition.

gnomAD v4.1: 19 of 1,612,946 alleles (0.0012%); highest among the groups gnomAD compares: South Asian, 0.0066%; no homozygotes.

Submission:

PreventionGenetics, part of Exact Sciences
Classification: Likely benign for PLXNA1-related condition. Last evaluated: 2022-04-06. Review status: no assertion criteria provided. Collection method: clinical testing. Allele origin: germline.
Comment: This variant is classified as likely benign based on ACMG/AMP sequence variant interpretation guidelines (Richards et al. 2015 PMID: 25741868, with internal and published modifications).